The following is an entry in ClinVar:

ClinVar aggregate classification (germline): Uncertain significance. Review status: criteria provided, multiple submitters, no conflicts (2 of 4 stars). 4 submissions from 4 submitters: Uncertain significance (3). 1 of the submissions does not count toward it. Last evaluated 2024-11-27.

Conditions:
Leber congenital amaurosis (LCA). Also called: Leber's amaurosis. Identifiers: Orphanet 65, MedGen C0339527, MeSH D057130, MONDO:0018998.
Bardet-Biedl syndrome 14 (BBS14). Identifiers: Orphanet 110, MedGen C2673874, MONDO:0014442, OMIM 615991.
Leber congenital amaurosis 10 (LCA10). Identifiers: Orphanet 65, MedGen C1857821, MONDO:0012723, OMIM 611755.
Joubert syndrome 5 (JBTS5). Identifiers: Orphanet 2318, MedGen C1857780, MONDO:0012432, OMIM 610188.
Meckel syndrome, type 4 (MKS4). Also called: MECKEL-GRUBER SYNDROME, TYPE 4. Identifiers: Orphanet 564, MedGen C1970161, MONDO:0012626, OMIM 611134.
Senior-Loken syndrome 6 (SLSN6). Identifiers: Orphanet 3156, MedGen C1857779, MONDO:0012433, OMIM 610189.
Joubert syndrome. Also called: JOUBERT-BOLTSHAUSER SYNDROME; Familial aplasia of the vermis. Identifiers: Orphanet 475, MedGen C5979921, MONDO:0018772.
Meckel-Gruber syndrome. Also called: DYSENCEPHALIA SPLANCHNOCYSTICA; GRUBER SYNDROME; Dysencephalia splachnocystica. Identifiers: Orphanet 564, MedGen C0265215, MONDO:0018921.
Nephronophthisis. Also called: Juvenile Nephronophthisis. Identifiers: Orphanet 655, MedGen C0687120, MONDO:0019005, HP:0000090.

Allele frequency attached by ClinVar (database versions not stated): gnomAD exomes 0.00002 and 0.00003; gnomAD 0.00003; TOPMed 0.00003.
gnomAD v4.1: 34 of 1,273,264 alleles (0.0027%); highest among the groups gnomAD compares: Non-Finnish European, 0.0034%; no homozygotes.

Submissions (4):

Blueprint Genetics
Classification: Uncertain significance. Last evaluated: 2024-11-27. Review status: criteria provided, single submitter. Criteria: ACMG Guidelines, 2015. Collection method: clinical testing. Allele origin: germline.

Labcorp Genetics (formerly Invitae), Labcorp
Classification: Uncertain significance for Joubert syndrome; Meckel-Gruber syndrome; Nephronophthisis. Last evaluated: 2024-10-08. Review status: criteria provided, single submitter. Criteria: Invitae Variant Classification Sherloc (09022015). Collection method: clinical testing. Allele origin: germline.
Comment: This sequence change replaces tyrosine, which is neutral and polar, with cysteine, which is neutral and slightly polar, at codon 1374 of the CEP290 protein (p.Tyr1374Cys). The frequency data for this variant in the population databases is considered unreliable, as metrics indicate poor data quality at this position in the gnomAD database. This variant has not been reported in the literature in individuals affected with CEP290-related conditions. ClinVar contains an entry for this variant (Variation ID: 933496). Invitae Evidence Modeling of protein sequence and biophysical properties (such as structural, functional, and spatial information, amino acid conservation, physicochemical variation, residue mobility, and thermodynamic stability) indicates that this missense variant is expected to disrupt CEP290 protein function with a positive predictive value of 80%. In summary, the available evidence is currently insufficient to determine the role of this variant in disease. Therefore, it has been classified as a Variant of Uncertain Significance.

Fulgent Genetics
Classification: Uncertain significance for Joubert syndrome 5; Senior-Loken syndrome 6; Meckel syndrome, type 4; Leber congenital amaurosis 10; Bardet-Biedl syndrome 14. Last evaluated: 2022-03-12. Review status: criteria provided, single submitter. Criteria: ACMG Guidelines, 2015. Collection method: clinical testing. Allele origin: unknown.

Natera, Inc.
Classification: Uncertain significance for Leber congenital amaurosis. Last evaluated: 2021-03-09. Review status: no assertion criteria provided. Collection method: clinical testing. Allele origin: germline. Not counted in ClinVar's aggregate classification.

NM_025114.4(CEP290):c.4121A>G (p.Tyr1374Cys)

Gene: CEP290 (centrosomal protein 290; minus strand). Cytogenetic location: 12q21.32.
Variant type: single nucleotide variant.
Coding change: c.4121A>G on transcript NM_025114.4 (MANE Select); coding-DNA position 4121, A replaced by G.
Protein change: p.Tyr1374Cys; replaces tyrosine 1374 with cysteine.
Molecular consequence: missense variant.
Genome position (GRCh38, 1-based): chr12:88,087,853, T>C on the plus strand (A>G on the coding strand, the complement: CEP290 is on the minus strand). VCF-style: chr12-88087853-T-C. GRCh37 (hg19) VCF-style: chr12-88481630-T-C.
Other names: short protein forms Y1374C.
Identifiers: ClinVar variation 933496 (VCV000933496.10), dbSNP rs1337676817, ClinGen allele CA385999159.
Genomic context (GRCh38, chr12:88,087,853, plus strand): 5'-ACAATTTCTTCTTCAAGACTGCTGATTGTACGTTCATATTCAGAAATTATGTTATTCAAA[T>C]ATTTTATTTCTTCTTTATCCTTGACTAATTCCCGATTTAGTTTAAGTTCTTGAAGACGAA-3'
Protein context (NP_079390.3, residues 1364-1384): ELVKDKEEIK[Tyr1374Cys]LNNIISEYER